The following is an entry in ClinVar:

ClinVar aggregate classification (germline): Uncertain significance (1 of 4 stars; one submission).

Allele frequency attached by ClinVar (database versions not stated): ExAC 0.00001.
gnomAD v4.1: 3 of 1,614,224 alleles (0.00019%); highest among the groups gnomAD compares: South Asian, 0.0033%; no homozygotes.

Submission:

Labcorp Genetics (formerly Invitae), Labcorp
Classification: Uncertain significance. Last evaluated: 2022-08-21. Review status: criteria provided, single submitter. Criteria: Invitae Variant Classification Sherloc (09022015). Collection method: clinical testing. Allele origin: germline.
Comment: This variant has not been reported in the literature in individuals affected with PCSK1-related conditions. This sequence change replaces phenylalanine, which is neutral and non-polar, with leucine, which is neutral and non-polar, at codon 13 of the PCSK1 protein (p.Phe13Leu). This variant is present in population databases (rs748979266, gnomAD 0.003%). Algorithms developed to predict the effect of missense changes on protein structure and function output the following: SIFT: "Tolerated"; PolyPhen-2: "Benign"; Align-GVGD: "Class C0". The leucine amino acid residue is found in multiple mammalian species, which suggests that this missense change does not adversely affect protein function. In summary, the available evidence is currently insufficient to determine the role of this variant in disease. Therefore, it has been classified as a Variant of Uncertain Significance.

NM_000439.5(PCSK1):c.37T>C (p.Phe13Leu)

Genes: CAST (calpastatin; plus strand), PCSK1 (proprotein convertase subtilisin/kexin type 1; minus strand), LOC101929710 (uncharacterized LOC101929710; plus strand). Cytogenetic location: 5q15.
Variant type: single nucleotide variant.
Coding change: c.37T>C on transcript NM_000439.5 (MANE Select); coding-DNA position 37, T replaced by C.
Protein change: p.Phe13Leu; replaces phenylalanine 13 with leucine.
Molecular consequence: missense variant.
Genome position (GRCh38, 1-based): chr5:96,433,006, A>G on the plus strand (T>C on the coding strand, the complement: PCSK1 is on the minus strand). VCF-style: chr5-96433006-A-G. GRCh37 (hg19) VCF-style: chr5-95768710-A-G.
Other names: short protein forms F13L.
Identifiers: ClinVar variation 2025625 (VCV002025625.4), dbSNP rs748979266, ClinGen allele CA3350608.
Genomic context (GRCh38, chr5:96,433,006, plus strand): 5'-TGACAAATTGCCTTTTCGCTTTTGCACTGTTCAGTGCACACCAAGCGCAAAAGAGGACGA[A>G]AGCAGTGCACTGCAGACTCCAGGCTCTTCGCTCCATAGCTCACACACTCGCTTGAACAAG-3'
Protein context (NP_000430.3, residues 3-23): RRAWSLQCTA[Phe13Leu]VLFCAWCALN